The following is an entry in ClinVar:

ClinVar aggregate classification (germline): Likely pathogenic (1 of 4 stars; one submission).

Conditions:
Ehlers-Danlos syndrome, classic type, 1 (EDSCL1). Also called: EHLERS-DANLOS SYNDROME, GRAVIS TYPE; EHLERS-DANLOS SYNDROME, SEVERE CLASSIC TYPE; Ehlers-Danlos syndrome, type 1; Ehlers-Danlos Syndrome, Classic Type, COL5A1-Related; EDS I. Identifiers: MedGen C0268335, MONDO:0019567, OMIM 130000.

Submission:

Labcorp Genetics (formerly Invitae), Labcorp
Classification: Likely pathogenic for Ehlers-Danlos syndrome, classic type, 1. Last evaluated: 2023-10-25. Review status: criteria provided, single submitter. Criteria: Invitae Variant Classification Sherloc (09022015). Collection method: clinical testing. Allele origin: germline.
Comment: This variant results in the deletion of part of exon 28 (c.2429_2430+26del) of the COL5A1 gene. It is expected to disrupt RNA splicing. Variants that disrupt the donor or acceptor splice site typically lead to a loss of protein function (PMID: 16199547), and loss-of-function variants in COL5A1 are known to be pathogenic (PMID: 23587214). This variant is not present in population databases (gnomAD no frequency). This variant has not been reported in the literature in individuals affected with COL5A1-related conditions. In summary, the currently available evidence indicates that the variant is pathogenic, but additional data are needed to prove that conclusively. Therefore, this variant has been classified as Likely Pathogenic.

Literature cited by the submitters: PubMed 16199547; PubMed 23587214.

NM_000093.5(COL5A1):c.2429_2430+26del

Gene: COL5A1 (collagen type V alpha 1 chain; plus strand). Cytogenetic location: 9q34.3.
Variant type: Deletion.
Coding change: c.2429_2430+26del on transcript NM_000093.5 (MANE Select); coding-DNA position 2429 through 26 bases into the intron after coding-DNA position 2430, 28 bases deleted (AGGTAAGTCTCTCCTTGCAGCCACGGGG).
Molecular consequence: splice donor variant.
Genome position (GRCh38, 1-based): chr9:134,780,145-134,780,172, AGGTAAGTCTCTCCTTGCAGCCACGGGG deleted. VCF-style (leftmost placement, unchanged base first): chr9-134780144-AAGGTAAGTCTCTCCTTGCAGCCACGGGG-A. GRCh37 (hg19) VCF-style: chr9-137671990-AAGGTAAGTCTCTCCTTGCAGCCACGGGG-A.
Other names: c.2429_2430+26del (NM_001278074.1).
Identifiers: ClinVar variation 2753302 (VCV002753302.3), dbSNP rs2490706084, ClinGen allele CA2697558177.